The following is an entry in ClinVar:

ClinVar aggregate classification (germline): Uncertain significance (1 of 4 stars; one submission).

Conditions:
Combined immunodeficiency due to STK4 deficiency (IMD110). Also called: STK4 DEFICIENCY; MST1 DEFICIENCY; T-cell immunodeficiency, recurrent infections, and autoimmunity with or without cardiac malformations. Identifiers: Orphanet 314689, MedGen C3553943, MONDO:0013934, OMIM 614868.

Submission:

Labcorp Genetics (formerly Invitae), Labcorp
Classification: Uncertain significance for Combined immunodeficiency due to STK4 deficiency. Last evaluated: 2019-06-27. Review status: criteria provided, single submitter. Criteria: Invitae Variant Classification Sherloc (09022015). Collection method: clinical testing. Allele origin: germline.
Comment: In summary, the available evidence is currently insufficient to determine the role of this variant in disease. Therefore, it has been classified as a Variant of Uncertain Significance. Algorithms developed to predict the effect of sequence changes on RNA splicing suggest that this variant may create or strengthen a splice site, but this prediction has not been confirmed by published transcriptional studies. Algorithms developed to predict the effect of missense changes on protein structure and function are either unavailable or do not agree on the potential impact of this missense change (SIFT: "Deleterious"; PolyPhen-2: "Benign"; Align-GVGD: "Class C0"). This variant has not been reported in the literature in individuals with STK4-related disease. This variant is not present in population databases (ExAC no frequency). This sequence change replaces aspartic acid with valine at codon 430 of the STK4 protein (p.Asp430Val). The aspartic acid residue is moderately conserved and there is a large physicochemical difference between aspartic acid and valine.

NM_006282.5(STK4):c.1289A>T (p.Asp430Val)

Gene: STK4 (serine/threonine kinase 4; plus strand). Cytogenetic location: 20q13.12.
Variant type: single nucleotide variant.
Coding change: c.1289A>T on transcript NM_006282.5 (MANE Select); coding-DNA position 1289, A replaced by T.
Protein change: p.Asp430Val; replaces aspartic acid 430 with valine.
Molecular consequence: missense variant.
Genome position (GRCh38, 1-based): chr20:45,025,114, A>T. VCF-style: chr20-45025114-A-T. GRCh37 (hg19) VCF-style: chr20-43653755-A-T.
Other names: c.1289A>T, p.Asp430Val (NM_001352385.2); short protein forms D430V.
Identifiers: ClinVar variation 651391 (VCV000651391.9), dbSNP rs1600495712, ClinGen allele CA409130303.